The following is an entry in ClinVar:

ClinVar aggregate classification (germline): Uncertain significance. Review status: criteria provided, multiple submitters, no conflicts (2 of 4 stars). 2 submissions from 2 submitters: Uncertain significance (2). Last evaluated 2024-08-15.

Conditions:
Left ventricular noncompaction 8 (LVNC8). Identifiers: Orphanet 154, Orphanet 54260, MedGen C3809288, MONDO:0014152, OMIM 615373.

Allele frequency attached by ClinVar (database versions not stated): ExAC 0.00001; gnomAD exomes 0.00001 and 0.00002; TOPMed 0.00004; gnomAD 0.00006.
gnomAD v4.1: 37 of 1,613,206 alleles (0.0023%); highest among the groups gnomAD compares: African/African-American, 0.0067%; no homozygotes.

Submissions (2):

ARUP Laboratories, Molecular Genetics and Genomics, ARUP Laboratories
Classification: Uncertain significance. Last evaluated: 2024-08-15. Review status: criteria provided, single submitter. Criteria: ARUP Molecular Germline Variant Investigation Process 2024. Collection method: clinical testing. Allele origin: germline.
Comment: The PRDM16 c.3269C>T; p.Thr1090Met variant (rs760088040), to our knowledge, is not reported in the medical literature but is reported in ClinVar (Variation ID: 241430). This variant is only observed on four alleles in the Genome Aggregation Database (v2.1.1), indicating it is not a common polymorphism. Computational analyses predict that this variant is neutral (REVEL: 0.058). Due to limited information, the clinical significance of this variant is uncertain at this time.

Labcorp Genetics (formerly Invitae), Labcorp
Classification: Uncertain significance for Left ventricular noncompaction 8. Last evaluated: 2023-01-28. Review status: criteria provided, single submitter. Criteria: Invitae Variant Classification Sherloc (09022015). Collection method: clinical testing. Allele origin: germline.
Comment: This sequence change replaces threonine, which is neutral and polar, with methionine, which is neutral and non-polar, at codon 1090 of the PRDM16 protein (p.Thr1090Met). This variant is present in population databases (rs760088040, gnomAD 0.003%). In summary, the available evidence is currently insufficient to determine the role of this variant in disease. Therefore, it has been classified as a Variant of Uncertain Significance. Algorithms developed to predict the effect of missense changes on protein structure and function are either unavailable or do not agree on the potential impact of this missense change (SIFT: "Deleterious"; PolyPhen-2: "Benign"; Align-GVGD: "Class C0"). ClinVar contains an entry for this variant (Variation ID: 241430). This variant has not been reported in the literature in individuals affected with PRDM16-related conditions.

NM_022114.4(PRDM16):c.3269C>T (p.Thr1090Met)

Gene: PRDM16 (PR/SET domain 16; plus strand). Cytogenetic location: 1p36.32.
Variant type: single nucleotide variant.
Coding change: c.3269C>T on transcript NM_022114.4 (MANE Select); coding-DNA position 3269, C replaced by T.
Protein change: p.Thr1090Met; replaces threonine 1090 with methionine.
Molecular consequence: missense variant.
Genome position (GRCh38, 1-based): chr1:3,426,210, C>T. VCF-style: chr1-3426210-C-T. GRCh37 (hg19) VCF-style: chr1-3342774-C-T.
Other names: c.3269C>T, p.Thr1090Met (NM_199454.3); short protein forms T1090M.
Identifiers: ClinVar variation 241430 (VCV000241430.9), dbSNP rs760088040, ClinGen allele CA544789.